The following is an entry in ClinVar:

NM_001372.4(DNAH9):c.3952G>A (p.Ala1318Thr)

Gene: DNAH9 (dynein axonemal heavy chain 9; plus strand). Cytogenetic location: 17p12.
Variant type: single nucleotide variant.
Coding change: c.3952G>A on transcript NM_001372.4 (MANE Select); coding-DNA position 3952, G replaced by A.
Protein change: p.Ala1318Thr; replaces alanine 1318 with threonine.
Molecular consequence: missense variant.
Genome position (GRCh38, 1-based): chr17:11,689,774, G>A. VCF-style: chr17-11689774-G-A. GRCh37 (hg19) VCF-style: chr17-11593091-G-A.
Other names: short protein forms A1318T.
Identifiers: ClinVar variation 1474665 (VCV001474665.7), dbSNP rs757071473, ClinGen allele CA8395576.

ClinVar aggregate classification (germline): Uncertain significance (1 of 4 stars; one submission).

Allele frequency attached by ClinVar (database versions not stated): gnomAD 0.00001; gnomAD exomes 0.00001 and 0.00002; TOPMed 0.00001; ExAC 0.00002.
gnomAD v4.1: 6 of 1,614,076 alleles (0.00037%); highest among the groups gnomAD compares: Admixed American, 0.01%; no homozygotes.

Submission:

Labcorp Genetics (formerly Invitae), Labcorp
Classification: Uncertain significance. Last evaluated: 2023-11-28. Review status: criteria provided, single submitter. Criteria: Invitae Variant Classification Sherloc (09022015). Collection method: clinical testing. Allele origin: germline.
Comment: This sequence change replaces alanine, which is neutral and non-polar, with threonine, which is neutral and polar, at codon 1318 of the DNAH9 protein (p.Ala1318Thr). This variant is present in population databases (rs757071473, gnomAD 0.006%). This variant has not been reported in the literature in individuals affected with DNAH9-related conditions. ClinVar contains an entry for this variant (Variation ID: 1474665). Advanced modeling of protein sequence and biophysical properties (such as structural, functional, and spatial information, amino acid conservation, physicochemical variation, residue mobility, and thermodynamic stability) performed at Invitae indicates that this missense variant is not expected to disrupt DNAH9 protein function with a negative predictive value of 80%. In summary, the available evidence is currently insufficient to determine the role of this variant in disease. Therefore, it has been classified as a Variant of Uncertain Significance.